The following is an entry in ClinVar:

ClinVar aggregate classification (germline): Uncertain significance. Review status: criteria provided, multiple submitters, no conflicts (2 of 4 stars). 2 submissions from 2 submitters: Uncertain significance (2). Last evaluated 2024-05-21.

Conditions:
Ehlers-Danlos syndrome, spondylodysplastic type, 1 (EDSSPD1). Also called: Ehlers-Danlos syndrome progeroid type; XGPT DEFICIENCY; XYLOSYLPROTEIN 4-BETA-GALACTOSYLTRANSFERASE DEFICIENCY; DERMATAN SULFATE PROTEOGLYCAN; EHLERS-DANLOS SYNDROME, PROGEROID TYPE, 1; GALACTOSYLTRANSFERASE I DEFICIENCY. Identifiers: Orphanet 75496, MedGen C4552003, MONDO:0020682, OMIM 130070.

Allele frequency attached by ClinVar (database versions not stated): TOPMed below 0.00001.

Submissions (2):

Fulgent Genetics
Classification: Uncertain significance for Ehlers-Danlos syndrome, spondylodysplastic type, 1. Last evaluated: 2024-05-21. Review status: criteria provided, single submitter. Criteria: ACMG Guidelines, 2015. Collection method: clinical testing. Allele origin: germline.

GeneDx
Classification: Uncertain significance. Last evaluated: 2017-05-11. Review status: criteria provided, single submitter. Criteria: GeneDx Variant Classification (06012015). Collection method: clinical testing. Allele origin: germline. Affected: yes.
Comment: The F105V variant has not beenpublished as pathogenic or been reported as benign to our knowledge. Furthermore, it is not observed in largepopulation cohorts (Lek et al., 2016; 1000 Genomes Consortium et al., 2015; Exome Variant Server). The F105Vvariant is a semi-conservative amino acid substitution, which may impact secondary protein structure as theseresidues differ in some properties. Moreover, this substitution occurs at a position that is conserved across species,and in silico analysis predicts this variant is probably damaging to the protein structure/function. Nonetheless, thisvariant lacks observation in a significant number of affected individuals, segregation data, and functional evidence,which would further clarify its pathogenicity.

NM_007255.3(B4GALT7):c.313T>G (p.Phe105Val)

Gene: B4GALT7 (beta-1,4-galactosyltransferase 7; plus strand). Cytogenetic location: 5q35.3.
Variant type: single nucleotide variant.
Coding change: c.313T>G on transcript NM_007255.3 (MANE Select); coding-DNA position 313, T replaced by G.
Protein change: p.Phe105Val; replaces phenylalanine 105 with valine.
Molecular consequence: missense variant.
Genome position (GRCh38, 1-based): chr5:177,604,441, T>G. VCF-style: chr5-177604441-T-G. GRCh37 (hg19) VCF-style: chr5-177031442-T-G.
Other names: short protein forms F105V.
Identifiers: ClinVar variation 429672 (VCV000429672.3), dbSNP rs1131691521, ClinGen allele CA362373827.